The following is an entry in ClinVar:

NM_001040108.2(MLH3):c.2355A>C (p.Gln785His)

Gene: MLH3 (mutL homolog 3; minus strand). Cytogenetic location: 14q24.3.
Variant type: single nucleotide variant.
Coding change: c.2355A>C on transcript NM_001040108.2 (MANE Select); coding-DNA position 2355, A replaced by C.
Protein change: p.Gln785His; replaces glutamine 785 with histidine.
Molecular consequence: missense variant.
Genome position (GRCh38, 1-based): chr14:75,047,301, T>G on the plus strand (A>C on the coding strand, the complement: MLH3 is on the minus strand). VCF-style: chr14-75047301-T-G. GRCh37 (hg19) VCF-style: chr14-75514004-T-G.
Other names: c.2355A>C, p.Gln785His (NM_014381.3); short protein forms Q785H.
Identifiers: ClinVar variation 2448633 (VCV002448633.4), dbSNP rs61332719, ClinGen allele CA390440879.

ClinVar aggregate classification (germline): Uncertain significance. Review status: criteria provided, multiple submitters, no conflicts (2 of 4 stars). 2 submissions from 2 submitters: Uncertain significance (2). Last evaluated 2024-05-26.

Conditions:
Colorectal cancer, hereditary nonpolyposis, type 7. Identifiers: Orphanet 144, MedGen C1858380, MONDO:0013725, OMIM 614385.

Submissions (2):

Labcorp Genetics (formerly Invitae), Labcorp
Classification: Uncertain significance for Colorectal cancer, hereditary nonpolyposis, type 7. Last evaluated: 2024-05-26. Review status: criteria provided, single submitter. Criteria: Invitae Variant Classification Sherloc (09022015). Collection method: clinical testing. Allele origin: germline.
Comment: This sequence change replaces glutamine, which is neutral and polar, with histidine, which is basic and polar, at codon 785 of the MLH3 protein (p.Gln785His). This variant is not present in population databases (gnomAD no frequency). This variant has not been reported in the literature in individuals affected with MLH3-related conditions. ClinVar contains an entry for this variant (Variation ID: 2448633). Algorithms developed to predict the effect of missense changes on protein structure and function output the following: SIFT: "Not Available"; PolyPhen-2: "Benign"; Align-GVGD: "Not Available". The histidine amino acid residue is found in multiple mammalian species, which suggests that this missense change does not adversely affect protein function. In summary, the available evidence is currently insufficient to determine the role of this variant in disease. Therefore, it has been classified as a Variant of Uncertain Significance.

Ambry Genetics
Classification: Uncertain significance. Last evaluated: 2022-12-23. Review status: criteria provided, single submitter. Criteria: Ambry Variant Classification Scheme 2023. Collection method: clinical testing. Allele origin: germline.
Comment: The p.Q785H variant (also known as c.2355A>C), located in coding exon 1 of the MLH3 gene, results from an A to C substitution at nucleotide position 2355. The glutamine at codon 785 is replaced by histidine, an amino acid with highly similar properties. This amino acid position is conserved. In addition, this alteration is predicted to be tolerated by in silico analysis. Since supporting evidence is limited at this time, the clinical significance of this alteration remains unclear.